The following is an entry in ClinVar:

NM_000098.3(CPT2):c.204del (p.Lys69fs)

Gene: CPT2 (carnitine palmitoyltransferase 2; plus strand). Cytogenetic location: 1p32.3.
Variant type: Deletion.
Coding change: c.204del on transcript NM_000098.3 (MANE Select); coding-DNA position 204, one base deleted (G; older notation c.204delG).
Protein change: p.Lys69fs; shifts the reading frame from lysine 69.
Molecular consequence: frameshift variant.
Genome position (GRCh38, 1-based): chr1:53,200,770, G deleted. VCF-style (leftmost placement, unchanged base first): chr1-53200769-AG-A. GRCh37 (hg19) VCF-style: chr1-53666441-AG-A.
Other names: c.204del, p.Lys69fs (NM_001330589.2); short protein forms K69fs.
Identifiers: ClinVar variation 863864 (VCV000863864.7), dbSNP rs1645350030, ClinGen allele CA916082030.

ClinVar aggregate classification (germline): Pathogenic (1 of 4 stars; one submission).

Conditions:
Carnitine palmitoyltransferase II deficiency. Also called: Carnitine Palmitoyltransferase 2 Deficiency. Identifiers: Orphanet 157, MedGen C0342790, MONDO:0015515.

Submission:

Labcorp Genetics (formerly Invitae), Labcorp
Classification: Pathogenic for Carnitine palmitoyltransferase II deficiency. Last evaluated: 2019-01-23. Review status: criteria provided, single submitter. Criteria: Invitae Variant Classification Sherloc (09022015). Collection method: clinical testing. Allele origin: germline.
Comment: This variant is not present in population databases (ExAC no frequency). This sequence change creates a premature translational stop signal (p.Lys69Serfs*4) in the CPT2 gene. It is expected to result in an absent or disrupted protein product. This variant has not been reported in the literature in individuals with CPT2-related conditions. For these reasons, this variant has been classified as Pathogenic. Loss-of-function variants in CPT2 are known to be pathogenic (PMID: 16781677, 16996287).

Literature cited by the submitters: PubMed 16781677; PubMed 16996287.